The following is an entry in ClinVar:

ClinVar aggregate classification (germline): Benign. Review status: criteria provided, multiple submitters, no conflicts (2 of 4 stars). 5 submissions from 5 submitters: Benign (4). 1 of the submissions does not count toward it. Last evaluated 2026-05-12.

Conditions:
SLC5A5-related disorder. Also called: SLC5A5-related condition.
Thyroid dyshormonogenesis 1. Also called: THYROID HORMONOGENESIS, GENETIC DEFECT IN, 1; HYPOTHYROIDISM, CONGENITAL, DUE TO DYSHORMONOGENESIS, 1; IODINE ACCUMULATION, TRANSPORT, OR TRAPPING DEFECT; Familial thyroid dyshormonogenesis 1. Identifiers: Orphanet 95716, MedGen C1848805, MONDO:0020716, OMIM 274400.

Allele frequency attached by ClinVar (database versions not stated): 1000 Genomes Project 0.01937; ESP Exome Variant Server 0.01968; 1000 Genomes Project 30x 0.02046; TOPMed 0.02054.
gnomAD v4.1: 5,609 of 1,613,424 alleles (0.35%); highest among the groups gnomAD compares: African/African-American, 6.4%; 148 homozygotes.

Submissions (5):

Women's Health and Genetics/Laboratory Corporation of America, LabCorp
Classification: Benign. Last evaluated: 2026-05-12. Review status: criteria provided, single submitter. Criteria: LabCorp Variant Classification Summary - May 2015. Collection method: clinical testing. Allele origin: germline.

Labcorp Genetics (formerly Invitae), Labcorp
Classification: Benign. Last evaluated: 2026-01-31. Review status: criteria provided, single submitter. Criteria: Invitae Variant Classification Sherloc (09022015). Collection method: clinical testing. Allele origin: germline.

Illumina Laboratory Services, Illumina
Classification: Benign for Thyroid dyshormonogenesis 1. Last evaluated: 2017-04-27. Review status: criteria provided, single submitter. Criteria: ICSL Variant Classification Criteria 13 December 2019. Collection method: clinical testing. Allele origin: germline.
Comment: This variant was observed as part of a predisposition screen in an ostensibly healthy population. A literature search was performed for the gene, cDNA change, and amino acid change (where applicable). No publications were found based on this search. Allele frequency data from public databases was too high to be consistent with this variant causing disease. Therefore, this variant is classified as benign.

Breakthrough Genomics
Classification: Benign. Review status: criteria provided, single submitter. Criteria: ACMG Guidelines, 2015. Collection method: not provided. Allele origin: germline. Inheritance: Autosomal recessive inheritance. Affected: yes.

PreventionGenetics, part of Exact Sciences
Classification: Benign for SLC5A5-related condition. Last evaluated: 2019-07-30. Review status: no assertion criteria provided. Collection method: clinical testing. Allele origin: germline. Not counted in ClinVar's aggregate classification.
Comment: This variant is classified as benign based on ACMG/AMP sequence variant interpretation guidelines (Richards et al. 2015 PMID: 25741868, with internal and published modifications).

NM_000453.3(SLC5A5):c.861C>T (p.Val287=)

Gene: SLC5A5 (solute carrier family 5 member 5; plus strand). Cytogenetic location: 19p13.11.
Variant type: single nucleotide variant.
Coding change: c.861C>T on transcript NM_000453.3 (MANE Select); coding-DNA position 861, C replaced by T.
Protein change: p.Val287=; no amino-acid change (valine 287 retained).
Molecular consequence: synonymous variant.
Genome position (GRCh38, 1-based): chr19:17,877,985, C>T. VCF-style: chr19-17877985-C-T. GRCh37 (hg19) VCF-style: chr19-17988794-C-T.
Identifiers: ClinVar variation 777524 (VCV000777524.14), dbSNP rs35209536, ClinGen allele CA9302926.